The following is an entry in ClinVar:

ClinVar aggregate classification (germline): Uncertain significance (1 of 4 stars; one submission).

Conditions:
Osteogenesis imperfecta type I (OI1). Also called: Lobstein's Disease; OI, TYPE I; OSTEOGENESIS IMPERFECTA TARDA; OSTEOGENESIS IMPERFECTA WITH BLUE SCLERAE; Osteogenesis imperfecta type 1; Lobstein disease. Identifiers: Orphanet 216796, Orphanet 666, MedGen C0023931, MONDO:0008146, OMIM 166200. Disease mechanism: loss of function.
Ehlers-Danlos syndrome, classic type, 1 (EDSCL1). Also called: Ehlers-Danlos syndrome, type 1; EHLERS-DANLOS SYNDROME, GRAVIS TYPE; EHLERS-DANLOS SYNDROME, SEVERE CLASSIC TYPE; EDS I; Ehlers-Danlos Syndrome, Classic Type, COL5A1-Related. Identifiers: MedGen C0268335, MONDO:0019567, OMIM 130000.

Allele frequency attached by ClinVar (database versions not stated): gnomAD exomes 0.00001; ExAC 0.00001.
gnomAD v4.1: 3 of 1,614,132 alleles (0.00019%); highest among the groups gnomAD compares: South Asian, 0.0033%; no homozygotes.

Submission:

Labcorp Genetics (formerly Invitae), Labcorp
Classification: Uncertain significance for Osteogenesis imperfecta type I; Ehlers-Danlos syndrome, classic type, 1. Last evaluated: 2019-08-31. Review status: criteria provided, single submitter. Criteria: Invitae Variant Classification Sherloc (09022015). Collection method: clinical testing. Allele origin: germline.
Comment: In summary, the available evidence is currently insufficient to determine the role of this variant in disease. Therefore, it has been classified as a Variant of Uncertain Significance. Algorithms developed to predict the effect of missense changes on protein structure and function are either unavailable or do not agree on the potential impact of this missense change (SIFT: "Tolerated"; PolyPhen-2: "Not Available"; Align-GVGD: "Class C0"). This variant has not been reported in the literature in individuals with COL1A2-related conditions. This variant is present in population databases (rs757569298, ExAC 0.006%). This sequence change replaces alanine with serine at codon 336 of the COL1A2 protein (p.Ala336Ser). The alanine residue is moderately conserved and there is a moderate physicochemical difference between alanine and serine.

NM_000089.4(COL1A2):c.1006G>T (p.Ala336Ser)

Gene: COL1A2 (collagen type I alpha 2 chain; plus strand). Cytogenetic location: 7q21.3.
Variant type: single nucleotide variant.
Coding change: c.1006G>T on transcript NM_000089.4 (MANE Select); coding-DNA position 1006, G replaced by T.
Protein change: p.Ala336Ser; replaces alanine 336 with serine.
Molecular consequence: missense variant.
Genome position (GRCh38, 1-based): chr7:94,409,792, G>T. VCF-style: chr7-94409792-G-T. GRCh37 (hg19) VCF-style: chr7-94039104-G-T.
Other names: short protein forms A336S.
Identifiers: ClinVar variation 936715 (VCV000936715.11), dbSNP rs757569298, ClinGen allele CA4346902.
Genomic context (GRCh38, chr7:94,409,792, plus strand): 5'-GGCGTTGCTGGGGCTCCCGGCCTCCCTGGACCCCGCGGTATTCCTGGCCCTGTTGGTGCT[G>T]CCGGTGCTACTGGTGCCAGAGGACTTGTTGTAAGTGGTCATGACTGTGGTTCTCATCATC-3'
Protein context (NP_000080.2, residues 326-346): PRGIPGPVGA[Ala336Ser]GATGARGLVG